The following is an entry in ClinVar:

NM_015102.5(NPHP4):c.3062del (p.Gln1021fs)

Gene: NPHP4 (nephrocystin 4; minus strand). Cytogenetic location: 1p36.31.
Variant type: Deletion.
Coding change: c.3062del on transcript NM_015102.5 (MANE Select); coding-DNA position 3062, one base deleted (A; older notation c.3062delA).
Protein change: p.Gln1021fs; shifts the reading frame from glutamine 1021.
Molecular consequence: frameshift variant. On other transcripts: non-coding transcript variant (1).
Genome position (GRCh38, 1-based): chr1:5,874,640, T deleted on the plus strand (A on the coding strand, the reverse complement: NPHP4 is on the minus strand). VCF-style (leftmost placement, unchanged base first): chr1-5874639-CT-C. GRCh37 (hg19) VCF-style: chr1-5934699-CT-C.
Other names: c.1523del, p.Gln508fs (NM_001291593.2); c.1526del, p.Gln509fs (NM_001291594.2); short protein forms Q1021fs, Q508fs, Q509fs.
Identifiers: ClinVar variation 2681746 (VCV002681746.2), dbSNP rs2523123174.

ClinVar aggregate classification (germline): Likely pathogenic (1 of 4 stars; one submission).

Conditions:
Nephronophthisis 4 (NPHP4). Also called: NEPHRONOPHTHISIS 4, JUVENILE. Identifiers: Orphanet 655, MedGen C1847013, MONDO:0011752, OMIM 606966.

Submission:

Precision Medicine Center, Zhengzhou University
Classification: Likely pathogenic for Nephronophthisis 4. Last evaluated: 2023-12-01. Review status: criteria provided, single submitter. Criteria: ACMG Guidelines, 2015. Collection method: clinical testing. Allele origin: maternal. Affected: yes.
Comment: PVS1,PM2_p